The following is an entry in ClinVar:

ClinVar aggregate classification (germline): Uncertain significance (1 of 4 stars; one submission).

Conditions:
EGFR-related lung cancer (EGFR). Identifiers: MedGen CN130014.

Submission:

Labcorp Genetics (formerly Invitae), Labcorp
Classification: Uncertain significance for EGFR-related lung cancer. Last evaluated: 2021-03-24. Review status: criteria provided, single submitter. Criteria: Invitae Variant Classification Sherloc (09022015). Collection method: clinical testing. Allele origin: germline.
Comment: In summary, the available evidence is currently insufficient to determine the role of this variant in disease. Therefore, it has been classified as a Variant of Uncertain Significance. Algorithms developed to predict the effect of missense changes on protein structure and function are either unavailable or do not agree on the potential impact of this missense change (SIFT: "Tolerated"; PolyPhen-2: "Probably Damaging"; Align-GVGD: "Class C0"). This variant has not been reported in the literature in individuals with EGFR-related conditions. This variant is not present in population databases (ExAC no frequency). This sequence change replaces glycine with glutamic acid at codon 403 of the EGFR protein (p.Gly403Glu). The glycine residue is highly conserved and there is a moderate physicochemical difference between glycine and glutamic acid.

NM_005228.5(EGFR):c.1208G>A (p.Gly403Glu)

Gene: EGFR (epidermal growth factor receptor; plus strand). Cytogenetic location: 7p11.2.
Variant type: single nucleotide variant.
Coding change: c.1208G>A on transcript NM_005228.5 (MANE Select); coding-DNA position 1208, G replaced by A.
Protein change: p.Gly403Glu; replaces glycine 403 with glutamic acid.
Molecular consequence: missense variant.
Genome position (GRCh38, 1-based): chr7:55,157,663, G>A. VCF-style: chr7-55157663-G-A. GRCh37 (hg19) VCF-style: chr7-55225356-G-A.
Other names: c.1049G>A, p.Gly350Glu (NM_001346900.2); c.407G>A, p.Gly136Glu (NM_001346941.2); c.1208G>A, p.Gly403Glu (NM_201282.2, NM_201284.2, NM_001346898.2); c.1073G>A, p.Gly358Glu (NM_001346897.2, NM_001346899.2); short protein forms G358E, G403E, G350E, G136E.
Identifiers: ClinVar variation 1518987 (VCV001518987.8), dbSNP rs2128939594, ClinGen allele CA367579088.